The following is an entry in ClinVar:

NM_001267550.2(TTN):c.89504-1G>A

Genes: TTN (titin; minus strand), TTN-AS1 (TTN antisense RNA 1; plus strand). Cytogenetic location: 2q31.2.
Variant type: single nucleotide variant.
Coding change: c.89504-1G>A on transcript NM_001267550.2 (MANE Select); the canonical splice acceptor site of the intron before coding-DNA position 89504, G replaced by A.
Molecular consequence: splice acceptor variant.
Genome position (GRCh38, 1-based): chr2:178,553,397, C>T on the plus strand (G>A on the coding strand, the complement: TTN is on the minus strand). VCF-style: chr2-178553397-C-T. GRCh37 (hg19) VCF-style: chr2-179418124-C-T.
Other names: c.62309-1G>A (NM_003319.4); c.62885-1G>A (NM_133437.4); c.62684-1G>A (NM_133432.3); c.81800-1G>A (NM_133378.4); c.84581-1G>A (NM_001256850.1).
Identifiers: ClinVar variation 4786713 (VCV004786713.1).

ClinVar aggregate classification (germline): Likely pathogenic (1 of 4 stars; one submission).

Conditions:
Autosomal recessive limb-girdle muscular dystrophy type 2J (LGMDR10). Also called: Limb-girdle muscular dystrophy, type 2J; MUSCULAR DYSTROPHY, LIMB-GIRDLE, AUTOSOMAL RECESSIVE 10. Identifiers: Orphanet 140922, MedGen C1837342, MONDO:0012127, OMIM 608807.
Dilated cardiomyopathy 1G (CMD1G). Identifiers: Orphanet 154, MedGen C1858763, MONDO:0011400, OMIM 604145.

gnomAD v4.1: 1 of 1,588,042 alleles (0.000063%); highest among the groups gnomAD compares: Non-Finnish European, 0.000086%; no homozygotes.

Submission:

Labcorp Genetics (formerly Invitae), Labcorp
Classification: Likely pathogenic for Dilated cardiomyopathy 1G; Autosomal recessive limb-girdle muscular dystrophy type 2J. Last evaluated: 2025-11-16. Review status: criteria provided, single submitter. Criteria: Invitae Variant Classification Sherloc (09022015). Collection method: clinical testing. Allele origin: germline.
Comment: This sequence change affects an acceptor splice site in intron 334 of the TTN gene. It is expected to disrupt RNA splicing and likely results in a truncated or disrupted TTN protein. This variant is not present in population databases (gnomAD no frequency). This variant has not been reported in the literature in individuals affected with TTN-related conditions. Algorithms developed to predict the effect of sequence changes on RNA splicing suggest that this variant may disrupt the consensus splice site. This variant is located in the A band of TTN (PMID: 25589632). Truncating variants in this region are significantly overrepresented in patients affected with dilated cardiomyopathy (PMID: 25589632). Truncating variants in this region have also been reported in individuals affected with autosomal recessive centronuclear myopathy (PMID: 23975875). In summary, the currently available evidence indicates that the variant is pathogenic, but additional data are needed to prove that conclusively. Therefore, this variant has been classified as Likely Pathogenic.

Literature cited by the submitters: PubMed 25589632; PubMed 23975875.